The following is an entry in ClinVar:

ClinVar aggregate classification (germline): Uncertain significance. Review status: criteria provided, multiple submitters, no conflicts (2 of 4 stars). 4 submissions from 4 submitters: Uncertain significance (4). Last evaluated 2023-06-06.

Conditions:
Inborn genetic diseases. Identifiers: MedGen C0950123, MeSH D030342.
Walker-Warburg congenital muscular dystrophy. Also called: Muscular dystrophy-dystroglycanopathy, type A; Walker-Warburg syndrome. Identifiers: Orphanet 899, MedGen C0265221, MONDO:0000171.
Muscular dystrophy-dystroglycanopathy (congenital with impaired intellectual development), type B, 1. Also called: Muscular dystrophy-dystroglycanopathy (congenital with intellectual disability), type B1; MUSCULAR DYSTROPHY, CONGENITAL, POMT1-RELATED. Identifiers: MedGen C5436962, MONDO:0013159, OMIM 613155.
Autosomal recessive limb-girdle muscular dystrophy type 2K. Also called: MUSCULAR DYSTROPHY-DYSTROGLYCANOPATHY (LIMB-GIRDLE), TYPE C, 1; MUSCULAR DYSTROPHY, LIMB-GIRDLE, TYPE 2K. Identifiers: Orphanet 86812, MedGen C1836373, MONDO:0012248, OMIM 609308.

Allele frequency attached by ClinVar (database versions not stated): gnomAD exomes 0.00004 and 0.00006; ExAC 0.00007; gnomAD 0.00001 and 0.00002; ESP Exome Variant Server 0.00008; 1000 Genomes Project 0.00020; TOPMed 0.00002; 1000 Genomes Project 30x 0.00016.

Submissions (4):

Ambry Genetics
Classification: Uncertain significance for Inborn genetic diseases. Last evaluated: 2023-06-06. Review status: criteria provided, single submitter. Criteria: Ambry Variant Classification Scheme 2023. Collection method: clinical testing. Allele origin: germline.

Revvity Omics, Revvity
Classification: Uncertain significance. Last evaluated: 2022-07-27. Review status: criteria provided, single submitter. Criteria: ACMG Guidelines, 2015. Collection method: clinical testing. Allele origin: germline.

Labcorp Genetics (formerly Invitae), Labcorp
Classification: Uncertain significance for Muscular dystrophy-dystroglycanopathy (congenital with impaired intellectual development), type B, 1; Walker-Warburg congenital muscular dystrophy; Autosomal recessive limb-girdle muscular dystrophy type 2K. Last evaluated: 2022-07-06. Review status: criteria provided, single submitter. Criteria: Invitae Variant Classification Sherloc (09022015). Collection method: clinical testing. Allele origin: germline.
Comment: This sequence change replaces arginine, which is basic and polar, with glutamine, which is neutral and polar, at codon 621 of the POMT1 protein (p.Arg621Gln). This variant is present in population databases (rs367709136, gnomAD 0.03%). This variant has not been reported in the literature in individuals affected with POMT1-related conditions. ClinVar contains an entry for this variant (Variation ID: 283065). Algorithms developed to predict the effect of missense changes on protein structure and function (SIFT, PolyPhen-2, Align-GVGD) all suggest that this variant is likely to be tolerated. Algorithms developed to predict the effect of sequence changes on RNA splicing suggest that this variant may create or strengthen a splice site. In summary, the available evidence is currently insufficient to determine the role of this variant in disease. Therefore, it has been classified as a Variant of Uncertain Significance.

Eurofins Ntd Llc (ga)
Classification: Uncertain significance. Last evaluated: 2015-09-03. Review status: criteria provided, single submitter. Criteria: EGL Classification Definitions 2015. Collection method: clinical testing. Allele origin: germline. Observed: 1 variant allele, 1 heterozygote.

NM_001077365.2(POMT1):c.1796G>A (p.Arg599Gln)

Gene: POMT1 (protein O-mannosyltransferase 1; plus strand). Cytogenetic location: 9q34.13.
Variant type: single nucleotide variant.
Coding change: c.1796G>A on transcript NM_001077365.2 (MANE Select); coding-DNA position 1796, G replaced by A.
Protein change: p.Arg599Gln; replaces arginine 599 with glutamine.
Molecular consequence: missense variant. On other transcripts: non-coding transcript variant (10).
Genome position (GRCh38, 1-based): chr9:131,521,443, G>A. VCF-style: chr9-131521443-G-A. GRCh37 (hg19) VCF-style: chr9-134396830-G-A.
Other names: c.1634G>A, p.Arg545Gln (NM_001077366.2, NM_001353194.2); c.1796G>A, p.Arg599Gln (NM_001136113.2); c.1445G>A, p.Arg482Gln (NM_001136114.2, NM_001353195.2, NM_001374691.1 and 2 more transcripts); c.1862G>A, p.Arg621Gln (NM_001353193.2, NM_007171.4); c.1706G>A, p.Arg569Gln (NM_001353196.2); c.1700G>A, p.Arg567Gln (NM_001353197.2, NM_001353198.2); c.1511G>A, p.Arg504Gln (NM_001353199.2); c.1340G>A, p.Arg447Gln (NM_001353200.2); and 3 more; short protein forms R621Q, R567Q, R599Q, R482Q, R504Q, R545Q, R447Q, R569Q.
Identifiers: ClinVar variation 283065 (VCV000283065.17), dbSNP rs367709136, ClinGen allele CA5293827.